The following is an entry in ClinVar:

ClinVar aggregate classification (germline): Conflicting classifications of pathogenicity. Review status: criteria provided, conflicting classifications (1 of 4 stars). 2 submissions from 2 submitters: Uncertain significance (1); Likely benign (1). Last evaluated 2025-01-14.

gnomAD v4.1: 19 of 1,612,606 alleles (0.0012%); highest among the groups gnomAD compares: Non-Finnish European, 0.0016%; 1 homozygote.

Submissions (2):

Ambry Genetics
Classification: Uncertain significance. Last evaluated: 2025-01-14. Review status: criteria provided, single submitter. Criteria: Ambry Variant Classification Scheme 2023. Collection method: clinical testing. Allele origin: germline.

CeGaT Center for Human Genetics Tuebingen
Classification: Likely benign. Last evaluated: 2023-01-01. Review status: criteria provided, single submitter. Criteria: CeGaT Center For Human Genetics Tuebingen Variant Classification Criteria Version 2. Collection method: clinical testing. Allele origin: germline. Affected: yes. Observed: 1 variant allele.
Comment: AHNAK2: BP4

NM_138420.4(AHNAK2):c.2767A>C (p.Ser923Arg)

Gene: AHNAK2 (AHNAK nucleoprotein 2; minus strand). Cytogenetic location: 14q32.33.
Variant type: single nucleotide variant.
Coding change: c.2767A>C on transcript NM_138420.4 (MANE Select); coding-DNA position 2767, A replaced by C.
Protein change: p.Ser923Arg; replaces serine 923 with arginine.
Molecular consequence: missense variant.
Genome position (GRCh38, 1-based): chr14:104,952,684, T>G on the plus strand (A>C on the coding strand, the complement: AHNAK2 is on the minus strand). VCF-style: chr14-104952684-T-G. GRCh37 (hg19) VCF-style: chr14-105419021-T-G.
Other names: c.2767A>C (NM_138420.2); c.2467A>C, p.Ser823Arg (NM_001350929.2); short protein forms S823R, S923R.
Identifiers: ClinVar variation 2644875 (VCV002644875.25), dbSNP rs762868199, ClinGen allele CA7383358.